The following is an entry in ClinVar:

NM_004360.5(CDH1):c.454del (p.Gln152fs)

Gene: CDH1 (cadherin 1; plus strand). Cytogenetic location: 16q22.1.
Variant type: Deletion.
Coding change: c.454del on transcript NM_004360.5 (MANE Select); coding-DNA position 454, one base deleted (C; older notation c.454delC).
Protein change: p.Gln152fs; shifts the reading frame from glutamine 152.
Molecular consequence: frameshift variant. On other transcripts: 5 prime UTR variant (2).
Genome position (GRCh38, 1-based): chr16:68,808,490, C deleted. VCF-style (leftmost placement, unchanged base first): chr16-68808489-AC-A. GRCh37 (hg19) VCF-style: chr16-68842392-AC-A.
Other names: c.454del, p.Gln152fs (NM_001317184.2); c.-1162del (NM_001317185.2); c.-1366del (NM_001317186.2); short protein forms Q152fs.
Identifiers: ClinVar variation 3906176 (VCV003906176.1).

ClinVar aggregate classification (germline): Likely pathogenic (1 of 4 stars; one submission).

Conditions:
Hereditary cancer-predisposing syndrome. Also called: Hereditary Cancer Syndrome; Hereditary neoplastic syndrome; Neoplastic Syndromes, Hereditary; Tumor predisposition. Identifiers: Orphanet 140162, MedGen C0027672, MeSH D009386, MONDO:0015356.

Submission:

Hereditary Cancer Laboratory, Hospital Universitario 12 de Octubre
Classification: Likely pathogenic for Hereditary cancer-predisposing syndrome. Last evaluated: 2025-03-18. Review status: criteria provided, single submitter. Criteria: ACMG Guidelines, 2015. Collection method: clinical testing. Allele origin: germline.
Comment: PVS1 + PM2